The following is an entry in ClinVar:

NM_001244008.2(KIF1A):c.829_849del (p.Thr277_Ser283del)

Gene: KIF1A (kinesin family member 1A; minus strand). Cytogenetic location: 2q37.3.
Variant type: Deletion.
Coding change: c.829_849del on transcript NM_001244008.2 (MANE Select); coding-DNA positions 829 to 849, 21 bases deleted (ACCCTGGGCAAGGTCATCTCC).
Protein change: p.Thr277_Ser283del.
Molecular consequence: inframe deletion.
Genome position (GRCh38, 1-based): chr2:240,783,059-240,783,079, GGAGATGACCTTGCCCAGGGT deleted on the plus strand (ACCCTGGGCAAGGTCATCTCC on the coding strand, the reverse complement: KIF1A is on the minus strand); deleting any 21 consecutive bases within chr2:240,783,059-240,783,081 gives the same sequence; the c. name uses the placement nearest the transcript's 3' end. VCF-style (leftmost placement, unchanged base first): chr2-240783058-CGGAGATGACCTTGCCCAGGGT-C. GRCh37 (hg19) VCF-style: chr2-241722475-CGGAGATGACCTTGCCCAGGGT-C.
Other names: c.829_849del, p.Thr277_Ser283del (NM_001320705.2, NM_001330289.2, NM_001330290.2 and 20 more transcripts).
Identifiers: ClinVar variation 373419 (VCV000373419.1), dbSNP rs1057518407, ClinGen allele CA16042391.

ClinVar aggregate classification (germline): Uncertain significance (1 of 4 stars; one submission).

Submission:

GeneDx
Classification: Uncertain significance. Last evaluated: 2016-11-11. Review status: criteria provided, single submitter. Criteria: GeneDx Variant Classification (06012015). Collection method: clinical testing. Allele origin: germline. Affected: yes.
Comment: The c.829_849del21variant has not been published as a pathogenic variant, nor has it been reported as a benign variant toour knowledge. It was not observed in approximately 6,100 individuals of European and AfricanAmerican ancestry in the NHLBI Exome Sequencing Project, indicating it is not a common benignvariant in these populations. The c.829_849del21 variant results in an in-frame deletion of 7 aminoacid residues, denoted p.Thr277_Ser283del. This deletion is not expected to result in proteintruncation or nonsense-mediated mRNA decay. However, it occurs at a conserved position within themotor domain of the protein and in silico analysis predicts this variant is probably damaging to theprotein structure/function. Therefore, based on the currently available information, it is unclearwhether this variant is a pathogenic variant or a rare benign variant.